The following is an entry in ClinVar:

ClinVar aggregate classification (germline): Benign. Review status: criteria provided, multiple submitters, no conflicts (2 of 4 stars). 2 submissions from 2 submitters: Benign (2). Last evaluated 2018-01-13.

Conditions:
Posterior column ataxia-retinitis pigmentosa syndrome (RETSNS). Also called: RETINOPATHY-SENSORY NEUROPATHY SYNDROME. Identifiers: Orphanet 88628, MedGen C1836916, MONDO:0012177, OMIM 609033.

Allele frequency attached by ClinVar (database versions not stated): TOPMed 0.34063; gnomAD 0.36511 and 0.37038; 1000 Genomes Project 0.35883; 1000 Genomes Project 30x 0.34697; gnomAD exomes 0.36450.
gnomAD v4.1: 56,888 of 153,646 alleles (37%); highest among the groups gnomAD compares: South Asian, 47%; 11,787 homozygotes.

Submissions (2):

Illumina Laboratory Services, Illumina
Classification: Benign for Posterior column ataxia-retinitis pigmentosa syndrome. Last evaluated: 2018-01-13. Review status: criteria provided, single submitter. Criteria: ICSL Variant Classification Criteria 13 December 2019. Collection method: clinical testing. Allele origin: germline.
Comment: This variant was observed in the ICSL laboratory as part of a predisposition screen in an ostensibly healthy population. It had not been previously curated by ICSL or reported in the Human Gene Mutation Database (HGMD: prior to June 1st, 2018), and was therefore a candidate for classification through an automated scoring system. Utilizing variant allele frequency, disease prevalence and penetrance estimates, and inheritance mode, an automated score was calculated to assess if this variant is too frequent to cause the disease. Based on the score and internal cut-off values, a variant classified as benign is not then subjected to further curation. The score for this variant resulted in a classification of benign for this disease.

Breakthrough Genomics
Classification: Benign. Review status: criteria provided, single submitter. Criteria: ACMG Guidelines, 2015. Collection method: not provided. Allele origin: germline. Inheritance: Autosomal recessive inheritance. Affected: yes.

NM_014053.4(FLVCR1):c.*626T>A

Gene: FLVCR1 (FLVCR choline and heme transporter 1; plus strand). Cytogenetic location: 1q32.3.
Variant type: single nucleotide variant.
Coding change: c.*626T>A on transcript NM_014053.4 (MANE Select); 626 bases downstream of the stop codon, T replaced by A.
Molecular consequence: 3 prime UTR variant.
Genome position (GRCh38, 1-based): chr1:212,895,916, T>A. VCF-style: chr1-212895916-T-A. GRCh37 (hg19) VCF-style: chr1-213069258-T-A.
Identifiers: ClinVar variation 295338 (VCV000295338.6), dbSNP rs11582817, ClinGen allele CA10609789.